The following is an entry in ClinVar:

ClinVar aggregate classification (germline): Uncertain significance. Review status: criteria provided, multiple submitters, no conflicts (2 of 4 stars). 2 submissions from 2 submitters: Uncertain significance (2). Last evaluated 2022-11-13.

Allele frequency attached by ClinVar (database versions not stated): gnomAD 0.00004.
gnomAD v4.1: 52 of 1,614,040 alleles (0.0032%); highest among the groups gnomAD compares: South Asian, 0.029%; no homozygotes.

Submissions (2):

Labcorp Genetics (formerly Invitae), Labcorp
Classification: Uncertain significance. Last evaluated: 2022-11-13. Review status: criteria provided, single submitter. Criteria: Invitae Variant Classification Sherloc (09022015). Collection method: clinical testing. Allele origin: germline.
Comment: Algorithms developed to predict the effect of missense changes on protein structure and function (SIFT, PolyPhen-2, Align-GVGD) all suggest that this variant is likely to be tolerated. In summary, the available evidence is currently insufficient to determine the role of this variant in disease. Therefore, it has been classified as a Variant of Uncertain Significance. This variant has not been reported in the literature in individuals affected with CTDP1-related conditions. This variant is present in population databases (rs760814379, gnomAD 0.02%). This sequence change replaces alanine, which is neutral and non-polar, with threonine, which is neutral and polar, at codon 927 of the CTDP1 protein (p.Ala927Thr).

Breakthrough Genomics
Classification: Uncertain significance. Review status: criteria provided, single submitter. Criteria: ACMG Guidelines, 2015. Collection method: not provided. Allele origin: germline. Inheritance: Autosomal recessive inheritance. Affected: yes.

NM_004715.5(CTDP1):c.2779G>A (p.Ala927Thr)

Gene: CTDP1 (CTD phosphatase subunit 1; plus strand). Cytogenetic location: 18q23.
Variant type: single nucleotide variant.
Coding change: c.2779G>A on transcript NM_004715.5 (MANE Select); coding-DNA position 2779, G replaced by A.
Protein change: p.Ala927Thr; replaces alanine 927 with threonine.
Molecular consequence: missense variant. On other transcripts: 3 prime UTR variant (2).
Genome position (GRCh38, 1-based): chr18:79,753,683, G>A. VCF-style: chr18-79753683-G-A. GRCh37 (hg19) VCF-style: chr18-77513683-G-A.
Other names: c.2422G>A, p.Ala808Thr (NM_001202504.1); c.*8G>A (NM_001318511.2); c.*12G>A (NM_048368.4); short protein forms A808T, A927T.
Identifiers: ClinVar variation 2179656 (VCV002179656.3), dbSNP rs760814379, ClinGen allele CA9010705.
Genomic context (GRCh38, chr18:79,753,683, plus strand): 5'-CATCTCACACCATGTTTGCTTCTCTGCAGAGGCCACAAGAGGAAGCTGAATGAAGAGGAC[G>A]CCGCCAGCGAGTCCAGCAGGGAGTCCAGCAACGAGGATGAGGGCAGCAGCTCCGAGGCCG-3'
Protein context (NP_004706.3, residues 917-937): GHKRKLNEED[Ala927Thr]ASESSRESSN